The following is an entry in ClinVar:

NM_016169.4(SUFU):c.1372C>A (p.Leu458Ile)

Gene: SUFU (SUFU negative regulator of hedgehog signaling; plus strand). Cytogenetic location: 10q24.32.
Variant type: single nucleotide variant.
Coding change: c.1372C>A on transcript NM_016169.4 (MANE Select); coding-DNA position 1372, C replaced by A.
Protein change: p.Leu458Ile; replaces leucine 458 with isoleucine.
Molecular consequence: missense variant.
Genome position (GRCh38, 1-based): chr10:102,630,072, C>A. VCF-style: chr10-102630072-C-A. GRCh37 (hg19) VCF-style: chr10-104389829-C-A.
Other names: short protein forms L458I.
Identifiers: ClinVar variation 2928584 (VCV002928584.5), dbSNP rs2492850467, ClinGen allele CA377920447.

ClinVar aggregate classification (germline): Uncertain significance. Review status: criteria provided, multiple submitters, no conflicts (2 of 4 stars). 3 submissions from 3 submitters: Uncertain significance (3). Last evaluated 2026-02-23.

Conditions:
Gorlin syndrome. Also called: Nevoid Basal Cell Carcinoma Syndrome; Basal cell nevus syndrome. Identifiers: Orphanet 377, MedGen C0004779, MONDO:0007187.
Medulloblastoma (MDB). Also called: MEDULLOBLASTOMA PREDISPOSITION SYNDROME; Medulloblastoma, somatic. Identifiers: Orphanet 616, MedGen C0025149, MeSH D008527, MONDO:0007959, OMIM 155255, HP:0002885.
Basal cell nevus syndrome 2 (BCNS2). Also called: NEVOID BASAL CELL CARCINOMA SYNDROME 2. Identifiers: MedGen C5830451, MONDO:0958189, OMIM 620343.
Familial meningioma. Also called: Meningioma, familial, susceptibility to. Identifiers: Orphanet 263662, MedGen C3551915, MONDO:0011789, OMIM 607174.
Joubert syndrome 32 (JBTS32). Identifiers: MedGen C4540342, MONDO:0033309, OMIM 617757.
Hereditary cancer-predisposing syndrome. Also called: Tumor predisposition; Neoplastic Syndromes, Hereditary; Hereditary Cancer Syndrome; Hereditary neoplastic syndrome. Identifiers: Orphanet 140162, MedGen C0027672, MeSH D009386, MONDO:0015356.

gnomAD v4.1: 1 of 1,614,196 alleles (0.000062%); no homozygotes.

Submissions (3):

Ambry Genetics
Classification: Uncertain significance for Hereditary cancer-predisposing syndrome. Last evaluated: 2026-02-23. Review status: criteria provided, single submitter. Criteria: Ambry Variant Classification Scheme 2023. Collection method: clinical testing. Allele origin: germline.
Comment: The p.L458I variant (also known as c.1372C>A), located in coding exon 12 of the SUFU gene, results from a C to A substitution at nucleotide position 1372. The leucine at codon 458 is replaced by isoleucine, an amino acid with highly similar properties. This amino acid position is highly conserved in available vertebrate species. In addition, this alteration is predicted to be tolerated by in silico analysis. Based on the available evidence, the clinical significance of this variant remains unclear.

Labcorp Genetics (formerly Invitae), Labcorp
Classification: Uncertain significance for Gorlin syndrome; Medulloblastoma. Last evaluated: 2025-08-03. Review status: criteria provided, single submitter. Criteria: Invitae Variant Classification Sherloc (09022015). Collection method: clinical testing. Allele origin: germline.
Comment: This sequence change replaces leucine, which is neutral and non-polar, with isoleucine, which is neutral and non-polar, at codon 458 of the SUFU protein (p.Leu458Ile). This variant is not present in population databases (gnomAD no frequency). This variant has not been reported in the literature in individuals affected with SUFU-related conditions. ClinVar contains an entry for this variant (Variation ID: 2928584). Invitae Evidence Modeling of protein sequence and biophysical properties (such as structural, functional, and spatial information, amino acid conservation, physicochemical variation, residue mobility, and thermodynamic stability) indicates that this missense variant is not expected to disrupt SUFU protein function with a negative predictive value of 80%. In summary, the available evidence is currently insufficient to determine the role of this variant in disease. Therefore, it has been classified as a Variant of Uncertain Significance.

Department of Pathology and Laboratory Medicine, Sinai Health System
Classification: Uncertain significance for Medulloblastoma; Familial meningioma; Joubert syndrome 32; Basal cell nevus syndrome 2. Last evaluated: 2025-02-07. Review status: criteria provided, single submitter. Criteria: ACMG Guidelines, 2015. Collection method: clinical testing. Allele origin: germline.